The following is an entry in ClinVar:

ClinVar aggregate classification (germline): Uncertain significance. Review status: criteria provided, multiple submitters, no conflicts (2 of 4 stars). 2 submissions from 2 submitters: Uncertain significance (2). Last evaluated 2025-11-26.

Conditions:
Hereditary cancer-predisposing syndrome. Also called: Neoplastic Syndromes, Hereditary; Hereditary Cancer Syndrome; Hereditary neoplastic syndrome; Tumor predisposition. Identifiers: Orphanet 140162, MedGen C0027672, MeSH D009386, MONDO:0015356.

Submissions (2):

Ambry Genetics
Classification: Uncertain significance for Hereditary cancer-predisposing syndrome. Last evaluated: 2025-11-26. Review status: criteria provided, single submitter. Criteria: Ambry Variant Classification Scheme 2023. Collection method: clinical testing. Allele origin: germline.
Comment: The p.H688Q variant (also known as c.2064C>G), located in coding exon 19 of the POLE gene, results from a C to G substitution at nucleotide position 2064. The histidine at codon 688 is replaced by glutamine, an amino acid with highly similar properties. This amino acid position is conserved. In addition, this alteration is predicted to be tolerated by in silico analysis. Since supporting evidence is limited at this time, the clinical significance of this alteration remains unclear.

Labcorp Genetics (formerly Invitae), Labcorp
Classification: Uncertain significance. Last evaluated: 2025-10-11. Review status: criteria provided, single submitter. Criteria: Invitae Variant Classification Sherloc (09022015). Collection method: clinical testing. Allele origin: germline.
Comment: This sequence change replaces histidine, which is basic and polar, with glutamine, which is neutral and polar, at codon 688 of the POLE protein (p.His688Gln). This variant is not present in population databases (gnomAD no frequency). This variant has not been reported in the literature in individuals affected with POLE-related conditions. ClinVar contains an entry for this variant (Variation ID: 540757). Invitae Evidence Modeling of protein sequence and biophysical properties (such as structural, functional, and spatial information, amino acid conservation, physicochemical variation, residue mobility, and thermodynamic stability) indicates that this missense variant is not expected to disrupt POLE protein function with a negative predictive value of 80%. In summary, the available evidence is currently insufficient to determine the role of this variant in disease. Therefore, it has been classified as a Variant of Uncertain Significance.

NM_006231.4(POLE):c.2064C>G (p.His688Gln)

Gene: POLE (DNA polymerase epsilon, catalytic subunit; minus strand). Cytogenetic location: 12q24.33.
Variant type: single nucleotide variant.
Coding change: c.2064C>G on transcript NM_006231.4 (MANE Select); coding-DNA position 2064, C replaced by G.
Protein change: p.His688Gln; replaces histidine 688 with glutamine.
Molecular consequence: missense variant.
Genome position (GRCh38, 1-based): chr12:132,668,465, G>C on the plus strand (C>G on the coding strand, the complement: POLE is on the minus strand). VCF-style: chr12-132668465-G-C. GRCh37 (hg19) VCF-style: chr12-133245051-G-C.
Other names: short protein forms H688Q.
Identifiers: ClinVar variation 540757 (VCV000540757.10), dbSNP rs1555227275, ClinGen allele CA387354279.
Genomic context (GRCh38, chr12:132,668,465, plus strand): 5'-ATGAAAGGCCCGAGCTGGCCCCTCTGGGAACAAGGGGGGGAACTTCTCTGACTCCAGCTG[G>C]TGCTGGATCCGATGGTATTCGCTGCGACTGGCTGGCACTGGGAAGGAGGCAATGGGGGCA-3'
Protein context (NP_006222.2, residues 678-698): ASRSEYHRIQ[His688Gln]QLESEKFPPL